The following is an entry in ClinVar:

ClinVar aggregate classification (germline): Uncertain significance. Review status: criteria provided, multiple submitters, no conflicts (2 of 4 stars). 2 submissions from 2 submitters: Uncertain significance (2). Last evaluated 2025-03-04.

Conditions:
Inborn genetic diseases. Identifiers: MedGen C0950123, MeSH D030342.

Allele frequency attached by ClinVar (database versions not stated): TOPMed below 0.00001.
gnomAD v4.1: 1 of 1,559,556 alleles (0.000064%); no homozygotes.

Submissions (2):

Ambry Genetics
Classification: Uncertain significance for Inborn genetic diseases. Last evaluated: 2025-03-04. Review status: criteria provided, single submitter. Criteria: Ambry Variant Classification Scheme 2023. Collection method: clinical testing. Allele origin: germline.
Comment: The p.M390T variant (also known as c.1169T>C), located in coding exon 6 of the FANCM gene, results from a T to C substitution at nucleotide position 1169. The methionine at codon 390 is replaced by threonine, an amino acid with similar properties. This amino acid position is conserved. In addition, the in silico prediction for this alteration is inconclusive. Based on the available evidence, the clinical significance of this variant remains unclear.

GeneDx
Classification: Uncertain significance. Last evaluated: 2022-11-02. Review status: criteria provided, single submitter. Criteria: GeneDx Variant Classification Process June 2021. Collection method: clinical testing. Allele origin: germline. Affected: yes.
Comment: Not observed at significant frequency in large population cohorts (gnomAD); In silico analysis supports that this missense variant has a deleterious effect on protein structure/function; Has not been previously published as pathogenic or benign to our knowledge

NM_020937.4(FANCM):c.1169T>C (p.Met390Thr)

Gene: FANCM (FA complementation group M; plus strand). Cytogenetic location: 14q21.2.
Variant type: single nucleotide variant.
Coding change: c.1169T>C on transcript NM_020937.4 (MANE Select); coding-DNA position 1169, T replaced by C.
Protein change: p.Met390Thr; replaces methionine 390 with threonine.
Molecular consequence: missense variant.
Genome position (GRCh38, 1-based): chr14:45,154,038, T>C. VCF-style: chr14-45154038-T-C. GRCh37 (hg19) VCF-style: chr14-45623241-T-C.
Other names: c.1091T>C, p.Met364Thr (NM_001308133.2); c.1169T>C, p.Met390Thr (NM_001308134.2); short protein forms M364T, M390T.
Identifiers: ClinVar variation 2501427 (VCV002501427.2), dbSNP rs1887006955, ClinGen allele CA389591041.